The following is an entry in ClinVar:

ClinVar aggregate classification (germline): Uncertain significance. Review status: criteria provided, multiple submitters, no conflicts (2 of 4 stars). 7 submissions from 7 submitters: Uncertain significance (6). 1 of the submissions does not count toward it. Last evaluated 2025-07-01.

Conditions:
Familial isolated arrhythmogenic right ventricular dysplasia. Identifiers: Orphanet 217656, MedGen C4274968, MONDO:0016342.
Cardiovascular phenotype. Identifiers: MedGen CN230736.
Cardiomyopathy (CMYO). Also called: Cardiomyopathies. Identifiers: Orphanet 167848, MedGen C0878544, MONDO:0004994, HP:0001638. Inheritance: Various modes of inheritance.
Arrhythmogenic right ventricular dysplasia 11. Also called: Arrhythmogenic Right Ventricular Dysplasia/Cardiomyopathy11; ARRHYTHMOGENIC RIGHT VENTRICULAR DYSPLASIA, FAMILIAL, 11; Arrhythmogenic right ventricular dysplasia 11 with mild palmoplantar keratoderma and woolly hair. Identifiers: MedGen C1864850, MONDO:0012506, OMIM 610476.

Allele frequency attached by ClinVar (database versions not stated): gnomAD exomes 0.00002; TOPMed 0.00002; ExAC 0.00003; gnomAD 0.00001; ESP Exome Variant Server 0.00008.
gnomAD v4.1: 29 of 1,614,004 alleles (0.0018%); highest among the groups gnomAD compares: Middle Eastern, 0.016%; no homozygotes.

Submissions (7):

Color Diagnostics, LLC DBA Color Health
Classification: Uncertain significance for Cardiomyopathy. Last evaluated: 2025-07-01. Review status: criteria provided, single submitter. Criteria: ACMG Guidelines, 2015. Collection method: clinical testing. Allele origin: germline.
Comment: This missense variant replaces isoleucine with methionine at codon 776 of the DSC2 protein. Computational prediction suggests that this variant may not impact protein structure and function. To our knowledge, functional studies have not been reported for this variant. This variant has been reported in an individual affected with hypertrophic cardiomyopathy (PMID: 26656175). This variant has been identified in 4/251132 chromosomes in the general population by the Genome Aggregation Database (gnomAD). The available evidence is insufficient to determine the role of this variant in disease conclusively. Therefore, this variant is classified as a Variant of Uncertain Significance.

Labcorp Genetics (formerly Invitae), Labcorp
Classification: Uncertain significance for Arrhythmogenic right ventricular dysplasia 11. Last evaluated: 2024-06-09. Review status: criteria provided, single submitter. Criteria: Invitae Variant Classification Sherloc (09022015). Collection method: clinical testing. Allele origin: germline.
Comment: This sequence change replaces isoleucine, which is neutral and non-polar, with methionine, which is neutral and non-polar, at codon 776 of the DSC2 protein (p.Ile776Met). This variant is present in population databases (rs1789054, gnomAD 0.003%). This variant has not been reported in the literature in individuals affected with DSC2-related conditions. ClinVar contains an entry for this variant (Variation ID: 518278). Advanced modeling of protein sequence and biophysical properties (such as structural, functional, and spatial information, amino acid conservation, physicochemical variation, residue mobility, and thermodynamic stability) performed at Invitae indicates that this missense variant is not expected to disrupt DSC2 protein function with a negative predictive value of 80%. In summary, the available evidence is currently insufficient to determine the role of this variant in disease. Therefore, it has been classified as a Variant of Uncertain Significance.

All of Us Research Program, National Institutes of Health
Classification: Uncertain significance for Familial isolated arrhythmogenic right ventricular dysplasia. Last evaluated: 2023-10-27. Review status: criteria provided, single submitter. Criteria: ACMG Guidelines, 2015. Collection method: clinical testing. Allele origin: germline. Inheritance: Autosomal dominant inheritance. Observed: 5 variant alleles, 5 heterozygotes.
Comment: This missense variant replaces isoleucine with methionine at codon 776 of the DSC2 protein. Computational prediction suggests that this variant may not impact protein structure and function (internally defined REVEL score threshold <= 0.5, PMID: 27666373). To our knowledge, functional studies have not been reported for this variant. This variant has not been reported in individuals affected with cardiovascular disorders in the literature. This variant has been identified in 4/251132 chromosomes in the general population by the Genome Aggregation Database (gnomAD). The available evidence is insufficient to determine the role of this variant in disease conclusively. Therefore, this variant is classified as a Variant of Uncertain Significance.

This study involves interpretation of variants in research participants for the purpose of population health screening. Participant phenotype was not available at the time of variant classification. Additional details can be found in publication PMID: 35346344, PMCID: PMC8962531

Ambry Genetics
Classification: Uncertain significance for Cardiovascular phenotype. Last evaluated: 2023-06-02. Review status: criteria provided, single submitter. Criteria: Ambry Variant Classification Scheme 2023. Collection method: clinical testing. Allele origin: germline.
Comment: The p.I776M variant (also known as c.2328C>G), located in coding exon 15 of the DSC2 gene, results from a C to G substitution at nucleotide position 2328. The isoleucine at codon 776 is replaced by methionine, an amino acid with highly similar properties. This amino acid position is poorly conserved in available vertebrate species. In addition, this alteration is predicted to be tolerated by in silico analysis. Since supporting evidence is limited at this time, the clinical significance of this alteration remains unclear.

Clinical Genetics DNA and cytogenetics Diagnostics Lab, Erasmus MC, Erasmus Medical Center
Classification: Uncertain significance for Arrhythmogenic right ventricular dysplasia 11. Last evaluated: 2017-10-10. Review status: criteria provided, single submitter. Criteria: ACGS Guidelines, 2013. Collection method: clinical testing. Allele origin: germline. Affected: yes. Study: VKGL Data-share Consensus.

Center for Genomics, Ann and Robert H. Lurie Children's Hospital of Chicago
Classification: Uncertain significance for Arrhythmogenic right ventricular dysplasia 11. Review status: criteria provided, single submitter. Criteria: ACMG Guidelines, 2015. Collection method: clinical testing. Allele origin: germline.
Comment: DSC2 NM_024422.6 exon 15 p.Ile776Met (c.2328C>G): This variant has not been reported in the literature but is present in 0.003% (4/113454) of European alleles in the Genome Aggregation Database. This variant is present in ClinVar (Variation ID:518278). Evolutionary conservation and computational predictive tools suggest that this variant may not impact the protein. In summary, data on this variant is insufficient for disease classification. Therefore, the clinical significance of this variant is uncertain.

Diagnostic Laboratory, Department of Genetics, University Medical Center Groningen
Classification: Uncertain significance for Arrhythmogenic right ventricular dysplasia 11. Review status: no assertion criteria provided. Collection method: clinical testing. Allele origin: germline. Affected: yes. Study: VKGL Data-share Consensus. Not counted in ClinVar's aggregate classification.

Literature cited by the submitters: PubMed 26656175 (cited by Color Diagnostics, LLC DBA Color Health).

NM_024422.6(DSC2):c.2328C>G (p.Ile776Met)

Gene: DSC2 (desmocollin 2; minus strand). Cytogenetic location: 18q12.1.
Variant type: single nucleotide variant.
Coding change: c.2328C>G on transcript NM_024422.6 (MANE Select); coding-DNA position 2328, C replaced by G.
Protein change: p.Ile776Met; replaces isoleucine 776 with methionine.
Molecular consequence: missense variant.
Genome position (GRCh38, 1-based): chr18:31,069,074, G>C on the plus strand (C>G on the coding strand, the complement: DSC2 is on the minus strand). VCF-style: chr18-31069074-G-C. GRCh37 (hg19) VCF-style: chr18-28649040-G-C.
Other names: c.2328C>G, p.Ile776Met (NM_004949.5); c.2328C>G (LRG_400t1); short protein forms I776M.
Identifiers: ClinVar variation 518278 (VCV000518278.22), dbSNP rs1789054, ClinGen allele CA036243.